The following is an entry in ClinVar:

NM_006531.5(IFT88):c.934A>T (p.Thr312Ser)

Gene: IFT88 (intraflagellar transport 88; plus strand). Cytogenetic location: 13q12.11.
Variant type: single nucleotide variant.
Coding change: c.934A>T on transcript NM_006531.5 (MANE Select); coding-DNA position 934, A replaced by T.
Protein change: p.Thr312Ser; replaces threonine 312 with serine.
Molecular consequence: missense variant. On other transcripts: intron variant (7), non-coding transcript variant (5).
Genome position (GRCh38, 1-based): chr13:20,601,826, A>T. VCF-style: chr13-20601826-A-T. GRCh37 (hg19) VCF-style: chr13-21175965-A-T.
Other names: c.800-25A>T (NM_001353574.2); c.877A>T, p.Thr293Ser (NM_001318491.2, NM_001353573.2, NM_001353575.2); c.961A>T, p.Thr321Ser (NM_001318493.2, NM_001353565.2, NM_001353566.2 and 2 more transcripts); c.934A>T, p.Thr312Ser (NM_001353568.2, NM_001353572.2); c.301A>T, p.Thr101Ser (NM_001353579.2); c.884-25A>T (NM_001353570.2, NM_001353576.2, NM_001353577.2 and 1 more transcripts); c.857-25A>T (NM_001353571.2, NM_001353578.2); short protein forms T312S, T293S, T321S, T101S.
Identifiers: ClinVar variation 2831084 (VCV002831084.3), dbSNP rs2042637687, ClinGen allele CA387474745.
Genomic context (GRCh38, chr13:20,601,826, plus strand): 5'-ATTAATTCATATGAGCACATAATGAGCATGGCACCAAATCTGAAGGCAGGCTACAACCTA[A>T]CTATCTGTTATTTTGCTATTGGAGACCGAGAAAAAATGAAGAAGGCATTCCAAAAATTGA-3'
Protein context (NP_006522.2, residues 302-322): APNLKAGYNL[Thr312Ser]ICYFAIGDRE

ClinVar aggregate classification (germline): Uncertain significance (1 of 4 stars; one submission).

Submission:

Labcorp Genetics (formerly Invitae), Labcorp
Classification: Uncertain significance. Last evaluated: 2023-01-22. Review status: criteria provided, single submitter. Criteria: Invitae Variant Classification Sherloc (09022015). Collection method: clinical testing. Allele origin: germline.
Comment: This sequence change replaces threonine, which is neutral and polar, with serine, which is neutral and polar, at codon 321 of the IFT88 protein (p.Thr321Ser). This variant is not present in population databases (gnomAD no frequency). This variant has not been reported in the literature in individuals affected with IFT88-related conditions. An algorithm developed to predict the effect of missense changes on protein structure and function (PolyPhen-2) suggests that this variant is likely to be tolerated. In summary, the available evidence is currently insufficient to determine the role of this variant in disease. Therefore, it has been classified as a Variant of Uncertain Significance.